The following is an entry in ClinVar:

ClinVar aggregate classification (germline): Uncertain significance (1 of 4 stars; one submission).

Conditions:
Familial acute necrotizing encephalopathy (IIAE3). Also called: ENCEPHALOPATHY, ACUTE, INFECTION-INDUCED, SUSCEPTIBILITY TO, 3; Susceptibility to Acute Necrotizing Encephalopathy 1. Identifiers: Orphanet 88619, MedGen C2675556, MONDO:0011953, OMIM 608033.

Submission:

Labcorp Genetics (formerly Invitae), Labcorp
Classification: Uncertain significance for Familial acute necrotizing encephalopathy. Last evaluated: 2020-04-06. Review status: criteria provided, single submitter. Criteria: Invitae Variant Classification Sherloc (09022015). Collection method: clinical testing. Allele origin: germline.
Comment: This sequence change replaces alanine with serine at codon 2204 of the RANBP2 protein (p.Ala2204Ser). The alanine residue is weakly conserved and there is a moderate physicochemical difference between alanine and serine. In summary, the available evidence is currently insufficient to determine the role of this variant in disease. Therefore, it has been classified as a Variant of Uncertain Significance. Algorithms developed to predict the effect of missense changes on protein structure and function output the following: SIFT: "Tolerated"; PolyPhen-2: "Benign"; Align-GVGD: "Class C0". The serine amino acid residue is found in multiple mammalian species, suggesting that this missense change does not adversely affect protein function. These predictions have not been confirmed by published functional studies and their clinical significance is uncertain. This variant has not been reported in the literature in individuals with RANBP2-related conditions. This variant is not present in population databases (ExAC no frequency).

NM_006267.5(RANBP2):c.6610G>T (p.Ala2204Ser)

Gene: RANBP2 (RAN binding protein 2; plus strand). Cytogenetic location: 2q13.
Variant type: single nucleotide variant.
Coding change: c.6610G>T on transcript NM_006267.5 (MANE Select); coding-DNA position 6610, G replaced by T.
Protein change: p.Ala2204Ser; replaces alanine 2204 with serine.
Molecular consequence: missense variant.
Genome position (GRCh38, 1-based): chr2:108,767,149, G>T. VCF-style: chr2-108767149-G-T. GRCh37 (hg19) VCF-style: chr2-109383605-G-T.
Other names: short protein forms A2204S.
Identifiers: ClinVar variation 1040064 (VCV001040064.11), dbSNP rs1257076841, ClinGen allele CA348075868.